The following is an entry in ClinVar:

ClinVar aggregate classification (germline): Conflicting classifications of pathogenicity. Review status: criteria provided, conflicting classifications (1 of 4 stars). 3 submissions from 3 submitters: Uncertain significance (1); Likely benign (1). 1 of the submissions does not count toward it. Last evaluated 2026-01-11.

Conditions:
Bardet-Biedl syndrome (BBS). Identifiers: Orphanet 110, MedGen C0752166, MONDO:0015229.
BBS7-related disorder. Also called: BBS7-related condition.
Bardet-Biedl syndrome 7 (BBS7). Identifiers: Orphanet 110, MedGen C1859565, MONDO:0014435, OMIM 615984.

gnomAD v4.1: 2 of 1,605,854 alleles (0.00012%); highest among the groups gnomAD compares: East Asian, 0.0045%; no homozygotes.

Submissions (3):

Labcorp Genetics (formerly Invitae), Labcorp
Classification: Likely benign for Bardet-Biedl syndrome. Last evaluated: 2026-01-11. Review status: criteria provided, single submitter. Criteria: Invitae Variant Classification Sherloc (09022015). Collection method: clinical testing. Allele origin: germline.

Fulgent Genetics
Classification: Uncertain significance for Bardet-Biedl syndrome 7. Last evaluated: 2024-01-10. Review status: criteria provided, single submitter. Criteria: ACMG Guidelines, 2015. Collection method: clinical testing. Allele origin: germline.

PreventionGenetics, part of Exact Sciences
Classification: Likely benign for BBS7-related condition. Last evaluated: 2022-11-21. Review status: no assertion criteria provided. Collection method: clinical testing. Allele origin: germline. Not counted in ClinVar's aggregate classification.
Comment: This variant is classified as likely benign based on ACMG/AMP sequence variant interpretation guidelines (Richards et al. 2015 PMID: 25741868, with internal and published modifications).

NM_176824.3(BBS7):c.2046T>C (p.Phe682=)

Gene: BBS7 (Bardet-Biedl syndrome 7; minus strand). Cytogenetic location: 4q27.
Variant type: single nucleotide variant.
Coding change: c.2046T>C on transcript NM_176824.3 (MANE Select); coding-DNA position 2046, T replaced by C.
Protein change: p.Phe682=; no amino-acid change (phenylalanine 682 retained).
Molecular consequence: synonymous variant.
Genome position (GRCh38, 1-based): chr4:121,825,962, A>G on the plus strand (T>C on the coding strand, the complement: BBS7 is on the minus strand). VCF-style: chr4-121825962-A-G. GRCh37 (hg19) VCF-style: chr4-122747117-A-G.
Other names: c.2046T>C (NM_176824.2).
Identifiers: ClinVar variation 1160157 (VCV001160157.10), dbSNP rs753884144, ClinGen allele CA3064060.
Genomic context (GRCh38, chr4:121,825,962, plus strand): 5'-ACTGTCCAGAATTTCCAATAGAAGGGGTACTTTAGTTTTTACATTGGTGCCTTTAAACTT[A>G]AATTTATCTATGAAAAGATCAGTGATCATGCCTTTAAAGAAAAAACATAAATTTCCTGTC-3'
Protein context (NP_789794.1, residues 672-692): GMITDLFIDK[Phe682=]KFKGTNVKTK